The following is an entry in ClinVar:

ClinVar aggregate classification (germline): Uncertain significance (1 of 4 stars; one submission).

gnomAD v4.1: 1 of 1,612,406 alleles (0.000062%); no homozygotes.

Submission:

Labcorp Genetics (formerly Invitae), Labcorp
Classification: Uncertain significance. Last evaluated: 2024-03-09. Review status: criteria provided, single submitter. Criteria: Invitae Variant Classification Sherloc (09022015). Collection method: clinical testing. Allele origin: germline.
Comment: This sequence change replaces glutamic acid, which is acidic and polar, with glycine, which is neutral and non-polar, at codon 303 of the GNB3 protein (p.Glu303Gly). This variant is not present in population databases (gnomAD no frequency). This variant has not been reported in the literature in individuals affected with GNB3-related conditions. Advanced modeling of protein sequence and biophysical properties (such as structural, functional, and spatial information, amino acid conservation, physicochemical variation, residue mobility, and thermodynamic stability) performed at Invitae indicates that this missense variant is not expected to disrupt GNB3 protein function with a negative predictive value of 80%. In summary, the available evidence is currently insufficient to determine the role of this variant in disease. Therefore, it has been classified as a Variant of Uncertain Significance.

NM_002075.4(GNB3):c.908A>G (p.Glu303Gly)

Genes: CDCA3 (cell division cycle associated 3; minus strand), GNB3 (G protein subunit beta 3; plus strand). Cytogenetic location: 12p13.31.
Variant type: single nucleotide variant.
Coding change: c.908A>G on transcript NM_002075.4 (MANE Select); coding-DNA position 908, A replaced by G.
Protein change: p.Glu303Gly; replaces glutamic acid 303 with glycine.
Molecular consequence: missense variant. On other transcripts: 3 prime UTR variant (1).
Genome position (GRCh38, 1-based): chr12:6,845,794, A>G. VCF-style: chr12-6845794-A-G. GRCh37 (hg19) VCF-style: chr12-6954958-A-G.
Other names: c.905A>G, p.Glu302Gly (NM_001297571.2); c.*994T>C (NM_001297603.3); short protein forms E302G, E303G.
Identifiers: ClinVar variation 4803627 (VCV004803627.1).